The following is an entry in ClinVar:

ClinVar aggregate classification (germline): Uncertain significance (1 of 4 stars; one submission).

Conditions:
Hereditary cancer-predisposing syndrome. Also called: Hereditary neoplastic syndrome; Hereditary Cancer Syndrome; Neoplastic Syndromes, Hereditary; Tumor predisposition. Identifiers: Orphanet 140162, MedGen C0027672, MeSH D009386, MONDO:0015356.

Submission:

Ambry Genetics
Classification: Uncertain significance for Hereditary cancer-predisposing syndrome. Last evaluated: 2023-03-15. Review status: criteria provided, single submitter. Criteria: Ambry Variant Classification Scheme 2023. Collection method: clinical testing. Allele origin: germline.
Comment: The p.D1807E variant (also known as c.5421C>G), located in coding exon 15 of the APC gene, results from a C to G substitution at nucleotide position 5421. The aspartic acid at codon 1807 is replaced by glutamic acid, an amino acid with highly similar properties. This amino acid position is conserved. In addition, in silico predictors for this gene do not accurately predict pathogenicity. Since supporting evidence is limited at this time, the clinical significance of this alteration remains unclear.

NM_000038.6(APC):c.5421C>G (p.Asp1807Glu)

Gene: APC (APC regulator of Wnt signaling pathway; plus strand). Cytogenetic location: 5q22.2.
Variant type: single nucleotide variant.
Coding change: c.5421C>G on transcript NM_000038.6 (MANE Select); coding-DNA position 5421, C replaced by G.
Protein change: p.Asp1807Glu; replaces aspartic acid 1807 with glutamic acid.
Molecular consequence: missense variant. On other transcripts: non-coding transcript variant (2).
Genome position (GRCh38, 1-based): chr5:112,841,015, C>G. VCF-style: chr5-112841015-C-G. GRCh37 (hg19) VCF-style: chr5-112176712-C-G.
Other names: c.5421C>G, p.Asp1807Glu (NM_001127510.3, NM_001354895.2, NM_001407450.1); c.5367C>G, p.Asp1789Glu (NM_001127511.3); c.5475C>G, p.Asp1825Glu (NM_001354896.2, NM_001407447.1, NM_001407448.1 and 1 more transcripts); c.5451C>G, p.Asp1817Glu (NM_001354897.2); c.5346C>G, p.Asp1782Glu (NM_001354898.2); c.5337C>G, p.Asp1779Glu (NM_001354899.2); c.5298C>G, p.Asp1766Glu (NM_001354900.2); c.5244C>G, p.Asp1748Glu (NM_001354901.2, NM_001407453.1); and 11 more; short protein forms D1647E, D1724E, D1807E, D1817E, D1681E, D1789E, D1835E, D1423E.
Identifiers: ClinVar variation 2566936 (VCV002566936.2), dbSNP rs753501921, ClinGen allele CA16033182.